The following is an entry in ClinVar:

ClinVar aggregate classification (germline): Benign/Likely benign. Review status: criteria provided, multiple submitters, no conflicts (2 of 4 stars). 7 submissions from 7 submitters: Benign (2); Likely benign (5). Last evaluated 2026-01-27.

Conditions:
Hereditary cancer-predisposing syndrome. Also called: Tumor predisposition; Hereditary Cancer Syndrome; Neoplastic Syndromes, Hereditary; Hereditary neoplastic syndrome. Identifiers: Orphanet 140162, MedGen C0027672, MeSH D009386, MONDO:0015356.
Peutz-Jeghers syndrome (PJS). Also called: POLYPOSIS, HAMARTOMATOUS INTESTINAL; POLYPS-AND-SPOTS SYNDROME; Peutz-Jeghers polyposis; Periorificial lentiginosis syndrome. Identifiers: Orphanet 2869, MedGen C0031269, MeSH D010580, MONDO:0008280, OMIM 175200.

Allele frequency attached by ClinVar (database versions not stated): gnomAD exomes below 0.00001 and 0.00001; gnomAD 0.00001; ExAC 0.00002; TOPMed 0.00002.
gnomAD v4.1: 10 of 1,593,172 alleles (0.00063%); highest among the groups gnomAD compares: South Asian, 0.0011%; no homozygotes.

Submissions (7):

Labcorp Genetics (formerly Invitae), Labcorp
Classification: Likely benign for Peutz-Jeghers syndrome. Last evaluated: 2026-01-27. Review status: criteria provided, single submitter. Criteria: Invitae Variant Classification Sherloc (09022015). Collection method: clinical testing. Allele origin: germline.

Myriad Genetics, Inc.
Classification: Likely benign for Peutz-Jeghers syndrome. Last evaluated: 2025-03-26. Review status: criteria provided, single submitter. Criteria: Myriad Autosomal Dominant, Autosomal Recessive and X-Linked Classification Criteria (2023). Collection method: clinical testing. Allele origin: unknown.
Comment: This variant is considered likely benign. This variant is intronic and is not expected to impact mRNA splicing.

KCCC/NGS Laboratory, Kuwait Cancer Control Center
Classification: Benign for Peutz-Jeghers syndrome. Last evaluated: 2025-02-01. Review status: criteria provided, single submitter. Criteria: ACMG Guidelines, 2015. Collection method: clinical testing. Allele origin: germline. Affected: no.

Genome-Nilou Lab
Classification: Likely benign for Peutz-Jeghers syndrome. Last evaluated: 2021-07-15. Review status: criteria provided, single submitter. Criteria: ACMG Guidelines, 2015. Collection method: clinical testing. Allele origin: germline. Affected: no.

Blueprint Genetics
Classification: Likely benign. Last evaluated: 2021-06-03. Review status: criteria provided, single submitter. Criteria: ACMG Guidelines, 2015. Collection method: clinical testing. Allele origin: germline.

Color Diagnostics, LLC DBA Color Health
Classification: Likely benign for Hereditary cancer-predisposing syndrome. Last evaluated: 2016-11-22. Review status: criteria provided, single submitter. Criteria: ACMG Guidelines, 2015. Collection method: clinical testing. Allele origin: germline.

GeneDx
Classification: Benign. Last evaluated: 2015-09-16. Review status: criteria provided, single submitter. Criteria: GeneDx Variant Classification Process June 2021. Collection method: clinical testing. Allele origin: germline. Affected: yes.

NM_000455.5(STK11):c.465-17G>A

Gene: STK11 (serine/threonine kinase 11; plus strand). Cytogenetic location: 19p13.3.
Variant type: single nucleotide variant.
Coding change: c.465-17G>A on transcript NM_000455.5 (MANE Select); 17 bases into the intron before coding-DNA position 465, G replaced by A.
Molecular consequence: intron variant.
Genome position (GRCh38, 1-based): chr19:1,220,356, G>A. VCF-style: chr19-1220356-G-A. GRCh37 (hg19) VCF-style: chr19-1220355-G-A.
Identifiers: ClinVar variation 492533 (VCV000492533.17), dbSNP rs761361803, ClinGen allele CA047854.